The following is an entry in ClinVar:

ClinVar aggregate classification (germline): Uncertain significance (1 of 4 stars; one submission).

Allele frequency attached by ClinVar (database versions not stated): TOPMed 0.00003; gnomAD 0.00004.

Submission:

Women's Health and Genetics/Laboratory Corporation of America, LabCorp
Classification: Uncertain significance. Last evaluated: 2023-01-05. Review status: criteria provided, single submitter. Criteria: LabCorp Variant Classification Summary - May 2015. Collection method: clinical testing. Allele origin: germline.
Comment: Variant summary: CFHR1 c.259dupT (p.Cys87LeufsX12) results in a premature termination codon, predicted to cause a truncation of the encoded protein or absence of the protein. Truncations downstream of this position have not been classified as pathogenic in ClinVar. Truncations upstream of this position have been classified as VUS in ClinVar and HGMD (PMID: 26284228). The variant allele was found at a frequency of 1.9e-05 in 265024 control chromosomes in the gnomAD database, including 2 homozygotes. To our knowledge, no occurrence of c.259dupT in individuals affected with Genetic Atypical Hemolytic Uremic Syndrome and no experimental evidence demonstrating its impact on protein function have been reported. No clinical diagnostic laboratories have submitted clinical-significance assessments for this variant to ClinVar after 2014. Based on the evidence outlined above, the variant was classified as uncertain significance.

NM_002113.3(CFHR1):c.259dup (p.Cys87fs)

Gene: CFHR1 (complement factor H related 1; plus strand). Cytogenetic location: 1q31.3.
Variant type: Duplication.
Coding change: c.259dup on transcript NM_002113.3 (MANE Select); coding-DNA position 259, one base duplicated (T; older notation c.259dupT).
Protein change: p.Cys87fs; shifts the reading frame from cysteine 87.
Molecular consequence: frameshift variant. On other transcripts: intron variant (2).
Genome position (GRCh38, 1-based): chr1:196,826,834, T duplicated. VCF-style (leftmost placement, unchanged base first): chr1-196826833-G-GT. GRCh37 (hg19) VCF-style: chr1-196795963-G-GT.
Other names: c.208dup, p.Cys70fs (NM_001379306.1); c.97dup, p.Cys33fs (NM_001379307.1); c.94dup, p.Cys32fs (NM_001379308.1); c.91dup, p.Cys31fs (NM_001379309.1); c.64dup, p.Cys22fs (NM_001379310.1); c.253+1163dup (NM_001379311.1); c.59-43dup (NM_001379312.1); c.259dupT (NM_002113.2); short protein forms C22fs, C31fs, C32fs, C33fs, C70fs, C87fs.
Identifiers: ClinVar variation 2429186 (VCV002429186.3), dbSNP rs1382890421, ClinGen allele CA528534290.